The following is an entry in ClinVar:

ClinVar aggregate classification (germline): Benign/Likely benign. Review status: criteria provided, multiple submitters, no conflicts (2 of 4 stars). 4 submissions from 4 submitters: Benign (2); Likely benign (2). Last evaluated 2026-01-21.

Conditions:
FG syndrome (FGS). Identifiers: MedGen C0220769, MONDO:0002010.
Familial thoracic aortic aneurysm and aortic dissection (TAAD). Also called: Thoracic aortic aneurysms and dissections. Identifiers: Orphanet 91387, MedGen C4707243, MONDO:0019625.

Submissions (4):

Labcorp Genetics (formerly Invitae), Labcorp
Classification: Likely benign for FG syndrome. Last evaluated: 2026-01-21. Review status: criteria provided, single submitter. Criteria: Invitae Variant Classification Sherloc (09022015). Collection method: clinical testing. Allele origin: germline.

Mayo Clinic Laboratories, Mayo Clinic
Classification: Likely benign. Last evaluated: 2025-10-24. Review status: criteria provided, single submitter. Criteria: ACMG Guidelines, 2015. Collection method: clinical testing. Allele origin: germline. Observed: 1 variant allele.
Comment: BS2, BP4

Ambry Genetics
Classification: Benign for Familial thoracic aortic aneurysm and aortic dissection. Last evaluated: 2021-01-06. Review status: criteria provided, single submitter. Criteria: Ambry Variant Classification Scheme 2023. Collection method: clinical testing. Allele origin: germline.

Eurofins Ntd Llc (ga)
Classification: Benign. Last evaluated: 2014-05-20. Review status: criteria provided, single submitter. Criteria: EGL Classification Definitions. Collection method: clinical testing. Allele origin: germline. Observed: 1 variant allele, 1 hemizygote.

NM_005120.3(MED12):c.6177ACAGCA[3] (p.Gln2075_Gln2076dup)

Gene: MED12 (mediator complex subunit 12; plus strand). Cytogenetic location: Xq13.1.
Variant type: Microsatellite.
Coding change: c.6177ACAGCA[3] on transcript NM_005120.3 (MANE Select); three copies in a row of the 6-base unit ACAGCA starting at c.6177; the reference has two copies in a row; one copy, 6 bases duplicated; also written c.6183_6188dup.
Protein change: p.Gln2075_Gln2076dup.
Molecular consequence: inframe insertion.
Genome position (GRCh38, 1-based): chrX:71,140,773-71,140,778, ACAGCA duplicated; duplicating any 6 consecutive bases within chrX:71,140,762-71,140,778 gives the same sequence; the position shown is the placement nearest the transcript's 3' end. VCF-style (leftmost placement, unchanged base first): chrX-71140761-G-GCAGCAA. GRCh37 (hg19) VCF-style: chrX-70360611-G-GCAGCAA.
Other names: p.Gln2075_Gln2076dup; c.6183_6188dup (NM_005120.2, NM_005120.3).
Identifiers: ClinVar variation 197467 (VCV000197467.18), dbSNP rs753370104, ClinGen allele CA202902.